The following is an entry in ClinVar:

NM_002641.4(PIGA):c.328C>G (p.Leu110Val)

Gene: PIGA (phosphatidylinositol glycan anchor biosynthesis class A; minus strand). Cytogenetic location: Xp22.2.
Variant type: single nucleotide variant.
Coding change: c.328C>G on transcript NM_002641.4 (MANE Select); coding-DNA position 328, C replaced by G.
Protein change: p.Leu110Val; replaces leucine 110 with valine.
Molecular consequence: missense variant. On other transcripts: non-coding transcript variant (1), intron variant (1).
Genome position (GRCh38, 1-based): chrX:15,331,603, G>C on the plus strand (C>G on the coding strand, the complement: PIGA is on the minus strand). VCF-style: chrX-15331603-G-C. GRCh37 (hg19) VCF-style: chrX-15349725-G-C.
Other names: c.13+3898C>G (NM_020473.3); short protein forms L110V.
Identifiers: ClinVar variation 1956029 (VCV001956029.5), dbSNP rs751436894, ClinGen allele CA10354166.

ClinVar aggregate classification (germline): Uncertain significance (1 of 4 stars; one submission).

Conditions:
Multiple congenital anomalies-hypotonia-seizures syndrome 2 (MCAHS2). Also called: GLYCOSYLPHOSPHATIDYLINOSITOL BIOSYNTHESIS DEFECT 4; EPILEPTIC ENCEPHALOPATHY, EARLY INFANTILE, 20. Identifiers: Orphanet 300496, MedGen C3275508, MONDO:0010466, OMIM 300868.

Allele frequency attached by ClinVar (database versions not stated): gnomAD exomes below 0.00001; TOPMed below 0.00001; ExAC 0.00001.
gnomAD v4.1: 1 of 1,212,015 alleles (0.000083%); highest among the groups gnomAD compares: East Asian, 0.003%; no homozygotes.

Submission:

Labcorp Genetics (formerly Invitae), Labcorp
Classification: Uncertain significance for Multiple congenital anomalies-hypotonia-seizures syndrome 2. Last evaluated: 2023-03-10. Review status: criteria provided, single submitter. Criteria: Invitae Variant Classification Sherloc (09022015). Collection method: clinical testing. Allele origin: germline.
Comment: In summary, the available evidence is currently insufficient to determine the role of this variant in disease. Therefore, it has been classified as a Variant of Uncertain Significance. Advanced modeling of protein sequence and biophysical properties (such as structural, functional, and spatial information, amino acid conservation, physicochemical variation, residue mobility, and thermodynamic stability) has been performed at Invitae for this missense variant, however the output from this modeling did not meet the statistical confidence thresholds required to predict the impact of this variant on PIGA protein function. ClinVar contains an entry for this variant (Variation ID: 1956029). This variant has not been reported in the literature in individuals affected with PIGA-related conditions. This variant is present in population databases (rs751436894, gnomAD 0.008%). This sequence change replaces leucine, which is neutral and non-polar, with valine, which is neutral and non-polar, at codon 110 of the PIGA protein (p.Leu110Val).